The following is an entry in ClinVar:

ClinVar aggregate classification (germline): Uncertain significance (1 of 4 stars; one submission).

Conditions:
Aortic aneurysm, familial thoracic 7 (AAT7). Also called: AORTIC DISSECTION, FAMILIAL, WITH OR WITHOUT AORTIC ANEURYSM. Identifiers: MedGen C3151077, MONDO:0013418, OMIM 613780.

Allele frequency attached by ClinVar (database versions not stated): gnomAD exomes below 0.00001; gnomAD 0.00001; TOPMed 0.00001.
gnomAD v4.1: 12 of 1,613,980 alleles (0.00074%); highest among the groups gnomAD compares: Non-Finnish European, 0.001%; no homozygotes.

Submission:

Labcorp Genetics (formerly Invitae), Labcorp
Classification: Uncertain significance for Aortic aneurysm, familial thoracic 7. Last evaluated: 2016-12-21. Review status: criteria provided, single submitter. Criteria: Invitae Variant Classification Sherloc (09022015). Collection method: clinical testing. Allele origin: germline.
Comment: Algorithms developed to predict the effect of missense changes on protein structure and function (SIFT, PolyPhen-2, Align-GVGD) all suggest that this variant is likely to be tolerated, but these predictions have not been confirmed by published functional studies. In summary, this variant is a novel missense change that is not predicted to affect protein function. There is no indication that it causes disease, but the available evidence is currently insufficient to prove that conclusively. Therefore, it has been classified as a Variant of Uncertain Significance. This variant is not present in population databases (ExAC no frequency) and has not been reported in the literature in individuals with a MYLK-related disease. This sequence change replaces asparagine with lysine at codon 813 of the MYLK protein (p.Asn813Lys). The asparagine residue is moderately conserved and there is a moderate physicochemical difference between asparagine and lysine.

NM_053025.4(MYLK):c.2439C>G (p.Asn813Lys)

Gene: MYLK (myosin light chain kinase; minus strand). Cytogenetic location: 3q21.1.
Variant type: single nucleotide variant.
Coding change: c.2439C>G on transcript NM_053025.4 (MANE Select); coding-DNA position 2439, C replaced by G.
Protein change: p.Asn813Lys; replaces asparagine 813 with lysine.
Molecular consequence: missense variant.
Genome position (GRCh38, 1-based): chr3:123,701,461, G>C on the plus strand (C>G on the coding strand, the complement: MYLK is on the minus strand). VCF-style: chr3-123701461-G-C. GRCh37 (hg19) VCF-style: chr3-123420308-G-C.
Other names: c.1911C>G, p.Asn637Lys (NM_001321309.2); c.2232C>G, p.Asn744Lys (NM_053026.4, NM_053028.4); c.2439C>G, p.Asn813Lys (NM_053027.4); short protein forms N813K, N744K, N637K.
Identifiers: ClinVar variation 409713 (VCV000409713.8), dbSNP rs1060502538, ClinGen allele CA16611117.
Genomic context (GRCh38, chr3:123,701,461, plus strand): 5'-GGCATGGCCTGGAGGGGCAGCTCCTGGGGGCACTCACCGTGGAAGGGCTCTGGCAGAGCT[G>C]TTCTGTAGCATCAGTGACACCTGGCAACTGCATTCGCCAACCCGGTTCCTGAAGAATTCC-3'
Protein context (NP_444253.3, residues 803-823): CSCQVSLMLQ[Asn813Lys]SSARALPRGR